The following is an entry in ClinVar:

ClinVar aggregate classification (germline): Uncertain significance (1 of 4 stars; one submission).

Conditions:
Hyperphosphatasia with intellectual disability syndrome 5 (GPIBD11). Also called: GLYCOSYLPHOSPHATIDYLINOSITOL BIOSYNTHESIS DEFECT 11. Identifiers: Orphanet 247262, MedGen C4014958, MONDO:0014457, OMIM 616025.

Allele frequency attached by ClinVar (database versions not stated): gnomAD exomes below 0.00001 and 0.00001.
gnomAD v4.1: 6 of 1,614,050 alleles (0.00037%); highest among the groups gnomAD compares: Admixed American, 0.005%; no homozygotes.

Submission:

Labcorp Genetics (formerly Invitae), Labcorp
Classification: Uncertain significance for Hyperphosphatasia with intellectual disability syndrome 5. Last evaluated: 2024-03-13. Review status: criteria provided, single submitter. Criteria: Invitae Variant Classification Sherloc (09022015). Collection method: clinical testing. Allele origin: germline.
Comment: This sequence change replaces threonine, which is neutral and polar, with isoleucine, which is neutral and non-polar, at codon 52 of the PIGW protein (p.Thr52Ile). This variant is present in population databases (no rsID available, gnomAD 0.006%). This variant has not been reported in the literature in individuals affected with PIGW-related conditions. ClinVar contains an entry for this variant (Variation ID: 1478468). Advanced modeling of protein sequence and biophysical properties (such as structural, functional, and spatial information, amino acid conservation, physicochemical variation, residue mobility, and thermodynamic stability) performed at Invitae indicates that this missense variant is not expected to disrupt PIGW protein function with a negative predictive value of 80%. In summary, the available evidence is currently insufficient to determine the role of this variant in disease. Therefore, it has been classified as a Variant of Uncertain Significance.

NM_001346754.2(PIGW):c.155C>T (p.Thr52Ile)

Genes: MYO19 (myosin XIX; minus strand), PIGW (phosphatidylinositol glycan anchor biosynthesis class W; plus strand). Cytogenetic location: 17q12.
Variant type: single nucleotide variant.
Coding change: c.155C>T on transcript NM_001346754.2 (MANE Select); coding-DNA position 155, C replaced by T.
Protein change: p.Thr52Ile; replaces threonine 52 with isoleucine.
Molecular consequence: missense variant.
Genome position (GRCh38, 1-based): chr17:36,537,256, C>T. VCF-style: chr17-36537256-C-T. GRCh37 (hg19) VCF-style: chr17-34893105-C-T.
Other names: c.155C>T, p.Thr52Ile (NM_001346755.2, NM_178517.5); short protein forms T52I.
Identifiers: ClinVar variation 1478468 (VCV001478468.8), dbSNP rs1276450545, ClinGen allele CA399161934.